The following is an entry in ClinVar:

NM_006231.4(POLE):c.972C>T (p.Pro324=)

Gene: POLE (DNA polymerase epsilon, catalytic subunit; minus strand). Cytogenetic location: 12q24.33.
Variant type: single nucleotide variant.
Coding change: c.972C>T on transcript NM_006231.4 (MANE Select); coding-DNA position 972, C replaced by T.
Protein change: p.Pro324=; no amino-acid change (proline 324 retained).
Molecular consequence: synonymous variant.
Genome position (GRCh38, 1-based): chr12:132,676,142, G>A on the plus strand (C>T on the coding strand, the complement: POLE is on the minus strand). VCF-style: chr12-132676142-G-A. GRCh37 (hg19) VCF-style: chr12-133252728-G-A.
Identifiers: ClinVar variation 753413 (VCV000753413.16), dbSNP rs745638752, ClinGen allele CA482722960.

ClinVar aggregate classification (germline): Benign/Likely benign. Review status: criteria provided, multiple submitters, no conflicts (2 of 4 stars). 3 submissions from 3 submitters: Benign (1); Likely benign (2). Last evaluated 2025-08-02.

Conditions:
Colorectal cancer, susceptibility to, 12 (CRCS12). Also called: COLORECTAL CANCER, SUSCEPTIBILITY TO, ON CHROMOSOME 12q24. Identifiers: Orphanet 220460, MedGen C3554460, MONDO:0014038, OMIM 615083.
Hereditary cancer-predisposing syndrome. Also called: Hereditary Cancer Syndrome; Hereditary neoplastic syndrome; Neoplastic Syndromes, Hereditary; Tumor predisposition. Identifiers: Orphanet 140162, MedGen C0027672, MeSH D009386, MONDO:0015356.

gnomAD v4.1: 1 of 1,612,934 alleles (0.000062%); highest among the groups gnomAD compares: Non-Finnish European, 0.000085%; no homozygotes.

Submissions (3):

Labcorp Genetics (formerly Invitae), Labcorp
Classification: Likely benign. Last evaluated: 2025-08-02. Review status: criteria provided, single submitter. Criteria: Invitae Variant Classification Sherloc (09022015). Collection method: clinical testing. Allele origin: germline.

Myriad Genetics, Inc.
Classification: Benign for Colorectal cancer, susceptibility to, 12. Last evaluated: 2025-02-07. Review status: criteria provided, single submitter. Criteria: Myriad Autosomal Dominant, Autosomal Recessive and X-Linked Classification Criteria (2023). Collection method: clinical testing. Allele origin: unknown.
Comment: This variant is considered benign. This variant is a silent/synonymous amino acid change and it is not expected to impact splicing.

Ambry Genetics
Classification: Likely benign for Hereditary cancer-predisposing syndrome. Last evaluated: 2019-09-11. Review status: criteria provided, single submitter. Criteria: Ambry Variant Classification Scheme 2023. Collection method: clinical testing. Allele origin: germline.